The following is an entry in ClinVar:

ClinVar aggregate classification (germline): Likely pathogenic (1 of 4 stars; one submission).

Conditions:
Methylmalonic aciduria and homocystinuria type cblD (MAHCD). Also called: METHYLMALONIC ACIDEMIA, cblH TYPE; Methylmalonic aciduria with homocystinuria cblD type. Identifiers: Orphanet 622, Orphanet 79283, MedGen C1848552, MONDO:0010185, OMIM 277410.

Submission:

Natera, Inc.
Classification: Likely pathogenic for Methylmalonic aciduria with homocystinuria cblD type. Last evaluated: 2025-04-29. Review status: criteria provided, single submitter. Criteria: Natera Variant Classification Schema (03/2026). Collection method: clinical testing. Allele origin: germline.
Comment: The c.556dup variant in MMADHC is a frameshift variant predicted to shift the reading frame beginning at codon 186 and leads to a stop codon 6 codons downstream. This variant is expected to result in nonsense mediated decay, truncation, or a dysfunctional protein product. This variant is rare in the general population with a frequency below the threshold expected for the associated phenotype(s). Given the available evidence, this variant is classified as Likely Pathogenic.

NM_015702.3(MMADHC):c.556dup (p.Met186fs)

Gene: MMADHC (metabolism of cobalamin associated D; minus strand). Cytogenetic location: 2q23.2.
Variant type: Duplication.
Coding change: c.556dup on transcript NM_015702.3 (MANE Select); coding-DNA position 556, one base duplicated (A; older notation c.556dupA).
Protein change: p.Met186fs; shifts the reading frame from methionine 186.
Molecular consequence: frameshift variant.
Genome position (GRCh38, 1-based): chr2:149,575,764, T duplicated on the plus strand (A on the coding strand, the reverse complement: MMADHC is on the minus strand). VCF-style (leftmost placement, unchanged base first): chr2-149575763-A-AT. GRCh37 (hg19) VCF-style: chr2-150432277-A-AT.
Other names: short protein forms M186fs.
Identifiers: ClinVar variation 4057820 (VCV004057820.2).